The following is an entry in ClinVar:

ClinVar aggregate classification (germline): Benign (1 of 4 stars; one submission).

Allele frequency attached by ClinVar (database versions not stated): gnomAD 0.16561 and 0.17285; TOPMed 0.17848; 1000 Genomes Project 30x 0.22658; 1000 Genomes Project 0.23822.
gnomAD v4.1: 26,342 of 152,202 alleles (17%); highest among the groups gnomAD compares: East Asian, 57%; 3,014 homozygotes.

Submission:

GeneDx
Classification: Benign. Last evaluated: 2018-06-19. Review status: criteria provided, single submitter. Criteria: GeneDx Variant Classification (06012015). Collection method: clinical testing. Allele origin: germline. Affected: yes.
Comment: This variant is considered likely benign or benign based on one or more of the following criteria: it is a conservative change, it occurs at a poorly conserved position in the protein, it is predicted to be benign by multiple in silico algorithms, and/or has population frequency not consistent with disease.

NM_001080477.4(TENM3):c.4018-311T>C

Gene: TENM3 (teneurin transmembrane protein 3; plus strand). Cytogenetic location: 4q35.1.
Variant type: single nucleotide variant.
Coding change: c.4018-311T>C on transcript NM_001080477.4 (MANE Select); 311 bases into the intron before coding-DNA position 4018, T replaced by C.
Molecular consequence: intron variant.
Genome position (GRCh38, 1-based): chr4:182,754,074, T>C. VCF-style: chr4-182754074-T-C. GRCh37 (hg19) VCF-style: chr4-183675227-T-C.
Identifiers: ClinVar variation 674014 (VCV000674014.1), dbSNP rs33914616, ClinGen allele CA11741180.
Genomic context (GRCh38, chr4:182,754,074, plus strand): 5'-GAAAACACAATAGAATACTAATCTATTCATAACCTAGAAAGCCCCAACATTTGGTGGTTA[T>C]TGCTGCCATAAGGAACATGTGTGTTCATAGCTCATCGATATCTGTTGACTCACTACGTAG-3'